The following is an entry in ClinVar:

NM_032444.4(SLX4):c.4739G>A (p.Arg1580Lys)

Gene: SLX4 (SLX4 structure-specific endonuclease subunit; minus strand). Cytogenetic location: 16p13.3.
Variant type: single nucleotide variant.
Coding change: c.4739G>A on transcript NM_032444.4 (MANE Select); coding-DNA position 4739, G replaced by A.
Protein change: p.Arg1580Lys; replaces arginine 1580 with lysine.
Molecular consequence: missense variant.
Genome position (GRCh38, 1-based): chr16:3,584,769, C>T on the plus strand (G>A on the coding strand, the complement: SLX4 is on the minus strand). VCF-style: chr16-3584769-C-T. GRCh37 (hg19) VCF-style: chr16-3634770-C-T.
Other names: short protein forms R1580K.
Identifiers: ClinVar variation 3663100 (VCV003663100.2).
Genomic context (GRCh38, chr16:3,584,769, plus strand): 5'-CCCAGTTACTTATGGGAGGGAAAAGACCACTGTGGGCAACAAGCTTTGAAGACCGCCAAC[C>T]TATCCAGTTCCTTCTTCAGCACCGGCGTCTCCATAATGGAATACTGTGGCATCGGCGTTA-3'
Protein context (NP_115820.2, residues 1570-1590): ETPVLKKELD[Arg1580Lys]FGVRPLPKRQ

ClinVar aggregate classification (germline): Uncertain significance (1 of 4 stars; one submission).

Conditions:
Fanconi anemia (FA). Also called: Fanconi's anemia. Identifiers: Orphanet 84, MedGen C0015625, MeSH D005199, MONDO:0019391.

Submission:

Labcorp Genetics (formerly Invitae), Labcorp
Classification: Uncertain significance for Fanconi anemia. Last evaluated: 2024-10-13. Review status: criteria provided, single submitter. Criteria: Invitae Variant Classification Sherloc (09022015). Collection method: clinical testing. Allele origin: germline.
Comment: This sequence change replaces arginine, which is basic and polar, with lysine, which is basic and polar, at codon 1580 of the SLX4 protein (p.Arg1580Lys). This variant also falls at the last nucleotide of exon 13, which is part of the consensus splice site for this exon. This variant is not present in population databases (gnomAD no frequency). This variant has not been reported in the literature in individuals affected with SLX4-related conditions. An algorithm developed to predict the effect of missense changes on protein structure and function (PolyPhen-2) suggests that this variant is likely to be disruptive. Variants that disrupt the consensus splice site are a relatively common cause of aberrant splicing (PMID: 17576681, 9536098). Algorithms developed to predict the effect of sequence changes on RNA splicing suggest that this variant may disrupt the consensus splice site. In summary, the available evidence is currently insufficient to determine the role of this variant in disease. Therefore, it has been classified as a Variant of Uncertain Significance.

Literature cited by the submitters: PubMed 17576681; PubMed 9536098.